The following is an entry in ClinVar:

NM_052963.3(TOP1MT):c.1502T>C (p.Leu501Pro)

Gene: TOP1MT (DNA topoisomerase I mitochondrial; minus strand). Cytogenetic location: 8q24.3.
Variant type: single nucleotide variant.
Coding change: c.1502T>C on transcript NM_052963.3 (MANE Select); coding-DNA position 1502, T replaced by C.
Protein change: p.Leu501Pro; replaces leucine 501 with proline.
Molecular consequence: missense variant.
Genome position (GRCh38, 1-based): chr8:143,315,778, A>G on the plus strand (T>C on the coding strand, the complement: TOP1MT is on the minus strand). VCF-style: chr8-143315778-A-G. GRCh37 (hg19) VCF-style: chr8-144397948-A-G.
Other names: c.1208T>C, p.Leu403Pro (NM_001258446.1, NM_001258447.1); short protein forms L501P, L403P.
Identifiers: ClinVar variation 1949057 (VCV001949057.5), dbSNP rs1390291631, ClinGen allele CA372410669.
Genomic context (GRCh38, chr8:143,315,778, plus strand): 5'-GGTACTCACCTCCTGGACTTGCCATCCCCTTGGGCTTTGTGCTCAGCCCTCGCCCTCCTC[A>G]GCTCTGCCCTGGCCTCAGCCACCTGCTCCTTCTTTGCCTGGATCTGCAGGAAAAGGGTCC-3'
Protein context (NP_443195.1, residues 491-511): KEQVAEARAE[Leu501Pro]RRARAEHKAQ

ClinVar aggregate classification (germline): Uncertain significance (1 of 4 stars; one submission).

Allele frequency attached by ClinVar (database versions not stated): gnomAD exomes below 0.00001; gnomAD 0.00001; TOPMed 0.00001.
gnomAD v4.1: 4 of 1,613,766 alleles (0.00025%); highest among the groups gnomAD compares: Non-Finnish European, 0.00025%; no homozygotes.

Submission:

Labcorp Genetics (formerly Invitae), Labcorp
Classification: Uncertain significance. Last evaluated: 2022-09-06. Review status: criteria provided, single submitter. Criteria: Invitae Variant Classification Sherloc (09022015). Collection method: clinical testing. Allele origin: germline.
Comment: In summary, the available evidence is currently insufficient to determine the role of this variant in disease. Therefore, it has been classified as a Variant of Uncertain Significance. Algorithms developed to predict the effect of missense changes on protein structure and function are either unavailable or do not agree on the potential impact of this missense change (SIFT: "Deleterious"; PolyPhen-2: "Probably Damaging"; Align-GVGD: "Class C0"). This variant has not been reported in the literature in individuals affected with TOP1MT-related conditions. This variant is not present in population databases (gnomAD no frequency). This sequence change replaces leucine, which is neutral and non-polar, with proline, which is neutral and non-polar, at codon 501 of the TOP1MT protein (p.Leu501Pro).